The following is an entry in ClinVar:

ClinVar aggregate classification (germline): Uncertain significance. Review status: criteria provided, multiple submitters, no conflicts (2 of 4 stars). 2 submissions from 2 submitters: Uncertain significance (2). Last evaluated 2026-03-21.

Conditions:
Adams-Oliver syndrome 5 (AOS5). Identifiers: Orphanet 974, MedGen C4014970, MONDO:0014459, OMIM 616028.
Familial thoracic aortic aneurysm and aortic dissection (TAAD). Also called: Thoracic aortic aneurysms and dissections. Identifiers: Orphanet 91387, MedGen C4707243, MONDO:0019625.

Allele frequency attached by ClinVar (database versions not stated): gnomAD exomes below 0.00001; TOPMed 0.00001; gnomAD 0.00001.

Submissions (2):

Ambry Genetics
Classification: Uncertain significance for Familial thoracic aortic aneurysm and aortic dissection. Last evaluated: 2026-03-21. Review status: criteria provided, single submitter. Criteria: Ambry Variant Classification Scheme 2023. Collection method: clinical testing. Allele origin: germline.
Comment: The p.G2131D variant (also known as c.6392G>A), located in coding exon 34 of the NOTCH1 gene, results from a G to A substitution at nucleotide position 6392. The glycine at codon 2131 is replaced by aspartic acid, an amino acid with similar properties. This amino acid position is conserved. In addition, the in silico prediction for this alteration is inconclusive. Based on the available evidence, the clinical significance of this variant remains unclear.

Labcorp Genetics (formerly Invitae), Labcorp
Classification: Uncertain significance for Adams-Oliver syndrome 5. Last evaluated: 2022-06-04. Review status: criteria provided, single submitter. Criteria: Invitae Variant Classification Sherloc (09022015). Collection method: clinical testing. Allele origin: germline.
Comment: In summary, the available evidence is currently insufficient to determine the role of this variant in disease. Therefore, it has been classified as a Variant of Uncertain Significance. Advanced modeling of protein sequence and biophysical properties (such as structural, functional, and spatial information, amino acid conservation, physicochemical variation, residue mobility, and thermodynamic stability) performed at Invitae indicates that this missense variant is not expected to disrupt NOTCH1 protein function. ClinVar contains an entry for this variant (Variation ID: 835588). This variant has not been reported in the literature in individuals affected with NOTCH1-related conditions. This variant is not present in population databases (gnomAD no frequency). This sequence change replaces glycine, which is neutral and non-polar, with aspartic acid, which is acidic and polar, at codon 2131 of the NOTCH1 protein (p.Gly2131Asp).

NM_017617.5(NOTCH1):c.6392G>A (p.Gly2131Asp)

Gene: NOTCH1 (notch receptor 1; minus strand). Cytogenetic location: 9q34.3.
Variant type: single nucleotide variant.
Coding change: c.6392G>A on transcript NM_017617.5 (MANE Select); coding-DNA position 6392, G replaced by A.
Protein change: p.Gly2131Asp; replaces glycine 2131 with aspartic acid.
Molecular consequence: missense variant.
Genome position (GRCh38, 1-based): chr9:136,497,347, C>T on the plus strand (G>A on the coding strand, the complement: NOTCH1 is on the minus strand). VCF-style: chr9-136497347-C-T. GRCh37 (hg19) VCF-style: chr9-139391799-C-T.
Other names: short protein forms G2131D.
Identifiers: ClinVar variation 835588 (VCV000835588.10), dbSNP rs1842933513, ClinGen allele CA375631849.
Genomic context (GRCh38, chr9:136,497,347, plus strand): 5'-GGCTTGAGGCTGCCCAGGTAGCCGTTGGGCGAGCAGAGCGGGGGCGACAGGGTGGGCGTG[C>T]CCCCCAGCGGGGCTCCGTGCAGCTGCGGGCTGCGCACCAGGTTGTACTCGTCCAGCAGCC-3'
Protein context (NP_060087.3, residues 2121-2141): SPQLHGAPLG[Gly2131Asp]TPTLSPPLCS